The following is an entry in ClinVar:

ClinVar aggregate classification (germline): Likely pathogenic (1 of 4 stars; one submission).

Submission:

Labcorp Genetics (formerly Invitae), Labcorp
Classification: Likely pathogenic. Last evaluated: 2023-08-23. Review status: criteria provided, single submitter. Criteria: Invitae Variant Classification Sherloc (09022015). Collection method: clinical testing. Allele origin: germline.
Comment: In summary, the currently available evidence indicates that the variant is pathogenic, but additional data are needed to prove that conclusively. Therefore, this variant has been classified as Likely Pathogenic. Algorithms developed to predict the effect of sequence changes on RNA splicing suggest that this variant may disrupt the consensus splice site. This variant has not been reported in the literature in individuals affected with CCDC88A-related conditions. This variant is not present in population databases (gnomAD no frequency). This sequence change affects a donor splice site in intron 24 of the CCDC88A gene. It is expected to disrupt RNA splicing. Variants that disrupt the donor or acceptor splice site typically lead to a loss of protein function (PMID: 16199547), and loss-of-function variants in CCDC88A are known to be pathogenic (PMID: 26917597, 30392057).

Literature cited by the submitters: PubMed 16199547; PubMed 26917597; PubMed 30392057.

NM_001365480.1(CCDC88A):c.4172+1G>T

Gene: CCDC88A (coiled-coil and HOOK domain protein 88A; minus strand). Cytogenetic location: 2p16.1.
Variant type: single nucleotide variant.
Coding change: c.4172+1G>T on transcript NM_001365480.1 (MANE Select); the canonical splice donor site of the intron after coding-DNA position 4172, G replaced by T.
Molecular consequence: splice donor variant.
Genome position (GRCh38, 1-based): chr2:55,309,161, C>A on the plus strand (G>T on the coding strand, the complement: CCDC88A is on the minus strand). VCF-style: chr2-55309161-C-A. GRCh37 (hg19) VCF-style: chr2-55536297-C-A.
Other names: c.4169+1G>T (NM_001254943.2, NM_001135597.2); c.4172+1G>T (NM_018084.5).
Identifiers: ClinVar variation 2754194 (VCV002754194.3), dbSNP rs2544753236, ClinGen allele CA346884837.